The following is an entry in ClinVar:

ClinVar aggregate classification (germline): Pathogenic/Likely pathogenic. Review status: criteria provided, multiple submitters, no conflicts (2 of 4 stars). 3 submissions from 3 submitters: Pathogenic (1); Likely pathogenic (1). 1 of the submissions does not count toward it. Last evaluated 2026-01-22.

Conditions:
Hereditary cancer-predisposing syndrome. Also called: Tumor predisposition; Neoplastic Syndromes, Hereditary; Hereditary Cancer Syndrome; Hereditary neoplastic syndrome. Identifiers: Orphanet 140162, MedGen C0027672, MeSH D009386, MONDO:0015356.
Hereditary breast ovarian cancer syndrome. Also called: Hereditary breast and ovarian cancer syndrome (HBOC); Hereditary breast and ovarian cancer syndrome; Hereditary breast and ovarian cancer; Hereditary breast and/or ovarian cancer syndrome; Breast and ovarian cancer; BRCA1- and BRCA2-Associated Hereditary Breast and Ovarian Cancer. Identifiers: Orphanet 145, MedGen C0677776, MeSH D061325, MONDO:0003582. Disease mechanism: loss of function.
Breast-ovarian cancer, familial, susceptibility to, 1 (BROVCA1). Also called: OVARIAN CANCER, SUSCEPTIBILITY TO; BRCA1 Hereditary Breast and Ovarian Cancer. Identifiers: Orphanet 145, MedGen C2676676, MONDO:0011450, OMIM 604370. Disease mechanism: loss of function.

Submissions (4):

Labcorp Genetics (formerly Invitae), Labcorp
Classification: Pathogenic for Hereditary breast ovarian cancer syndrome. Last evaluated: 2026-01-22. Review status: criteria provided, single submitter. Criteria: Invitae Variant Classification Sherloc (09022015). Collection method: clinical testing. Allele origin: germline.
Comment: This sequence change replaces leucine, which is neutral and non-polar, with proline, which is neutral and non-polar, at codon 1705 of the BRCA1 protein (p.Leu1705Pro). This variant is not present in population databases (gnomAD no frequency). This missense change has been observed in individual(s) with breast and ovarian cancer (PMID: 26951538; internal data). It has also been observed to segregate with disease in related individuals. ClinVar contains an entry for this variant (Variation ID: 37637). Invitae Evidence Modeling incorporating data from in vitro experimental studies (PMID: 30209399) indicates that this missense variant is expected to disrupt BRCA1 function with a positive predictive value of 95%. Experimental studies have shown that this missense change affects BRCA1 function (PMID: 10811118, 30209399). For these reasons, this variant has been classified as Pathogenic.

Ambry Genetics
Classification: Likely pathogenic for Hereditary cancer-predisposing syndrome. Last evaluated: 2024-12-30. Review status: criteria provided, single submitter. Criteria: Ambry Variant Classification Scheme 2023. Collection method: clinical testing. Allele origin: germline.
Comment: The p.L1705P variant (also known as c.5114T>C), located in coding exon 16 of the BRCA1 gene, results from a T to C substitution at nucleotide position 5114. The leucine at codon 1705 is replaced by proline, an amino acid with similar properties. Functional transcription assays in yeast have shown that this variant abolishes transcription activation by the BRCA1 C-terminus (Hayes F et al. Cancer Res. 2000 May;60:2411-8). Another functional study found that this nucleotide substitution is deleterious in a high-throughput, genome editing, haploid cell-survival assay (Findlay GM et al. Nature. 2018 10;562:217-222). Based on internal structural analysis, this variant is anticipated to result in a significant decrease in structural stability (Wu Q et al. Mol. Cell. 2016 Feb;61:434-448, Ambry internal data). This amino acid position is highly conserved in available vertebrate species. In addition, this alteration is predicted to be deleterious by in silico analysis. Based on the majority of available evidence to date, this variant is likely to be pathogenic.

Sharing Clinical Reports Project (SCRP)
Classification: Uncertain significance for Breast-ovarian cancer, familial 1. Last evaluated: 2011-01-06. Review status: no assertion criteria provided. Collection method: clinical testing. Allele origin: germline. Not counted in ClinVar's aggregate classification.

Brotman Baty Institute, University of Washington
No classification provided (evidence only). Condition: Breast-ovarian cancer, familial 1. Review status: no classification provided. Collection method: in vitro. Allele origin: not applicable. Functional consequence: functionally_abnormal. Not counted in ClinVar's aggregate classification.
ClinVar note: "not provided" was previously submitted as the classification for the variant. However, the classification appeared to be based only on an observation of functional data so it was converted to no classification on 2025-07-30.

Literature cited by the submitters: PubMed 26951538 (cited by Labcorp Genetics (formerly Invitae), Labcorp and Ambry Genetics); PubMed 30209399 (cited by Labcorp Genetics (formerly Invitae), Labcorp and Ambry Genetics); PubMed 10811118 (cited by Labcorp Genetics (formerly Invitae), Labcorp and Ambry Genetics); PubMed 26778126 (cited by Ambry Genetics).

NM_007294.4(BRCA1):c.5114T>C (p.Leu1705Pro)

Gene: BRCA1 (BRCA1 DNA repair associated; minus strand). Cytogenetic location: 17q21.31.
Variant type: single nucleotide variant.
Coding change: c.5114T>C on transcript NM_007294.4 (MANE Select); coding-DNA position 5114, T replaced by C.
Protein change: p.Leu1705Pro; replaces leucine 1705 with proline.
Molecular consequence: missense variant. On other transcripts: non-coding transcript variant (1).
Genome position (GRCh38, 1-based): chr17:43,063,912, A>G on the plus strand (T>C on the coding strand, the complement: BRCA1 is on the minus strand). VCF-style: chr17-43063912-A-G. GRCh37 (hg19) VCF-style: chr17-41215929-A-G.
Other names: 5233T>C; c.4988T>C, p.Leu1663Pro (NM_001407676.1, NM_001407677.1, NM_001407678.1 and 10 more transcripts); c.4985T>C, p.Leu1662Pro (NM_001407681.1, NM_001407682.1, NM_001407683.1 and 6 more transcripts); c.5114T>C, p.Leu1705Pro (NM_001407684.1, NM_001407854.1, NM_001407593.1 and 7 more transcripts); c.4982T>C, p.Leu1661Pro (NM_001407690.1, NM_001407691.1); c.4973T>C, p.Leu1658Pro (NM_001407692.1, NM_001407694.1, NM_001407695.1 and 13 more transcripts); c.4970T>C, p.Leu1657Pro (NM_001407732.1, NM_001407733.1, NM_001407734.1 and 21 more transcripts); c.4967T>C, p.Leu1656Pro (NM_001407838.1, NM_001407839.1, NM_001407841.1 and 12 more transcripts); and 72 more; short protein forms L1705P, L1726P, L601P, L1658P, L1577P, L1578P, L1594P, L1635P.
Identifiers: ClinVar variation 37637 (VCV000037637.19), dbSNP rs397507242, ClinGen allele CA003248.
Genomic context (GRCh38, chr17:43,063,912, plus strand): 5'-GGAGAAATAGTATTATACTTACAGAAATAGCTAACTACCCATTTTCCTCCCGCAATTCCT[A>G]GAAAATATTTCAGTGTCCGTTCACACACAAACTCAGCATCTGCAGAATGAAAAACACTCA-3'
Protein context (NP_009225.1, residues 1695-1715): FVCERTLKYF[Leu1705Pro]GIAGGKWVVS